The following is an entry in ClinVar:

NM_001165963.4(SCN1A):c.3024A>C (p.Glu1008Asp)

Gene: SCN1A (sodium voltage-gated channel alpha subunit 1; minus strand). Cytogenetic location: 2q24.3.
Variant type: single nucleotide variant.
Coding change: c.3024A>C on transcript NM_001165963.4 (MANE Select); coding-DNA position 3024, A replaced by C.
Protein change: p.Glu1008Asp; replaces glutamic acid 1008 with aspartic acid.
Molecular consequence: missense variant. On other transcripts: non-coding transcript variant (1).
Genome position (GRCh38, 1-based): chr2:166,036,453, T>G on the plus strand (A>C on the coding strand, the complement: SCN1A is on the minus strand). VCF-style: chr2-166036453-T-G. GRCh37 (hg19) VCF-style: chr2-166892963-T-G.
Other names: c.2940A>C, p.Glu980Asp (NM_001165964.3, NM_001353957.2, NM_001353958.2); c.3024A>C, p.Glu1008Asp (NM_001202435.3, NM_001353948.2); c.2991A>C, p.Glu997Asp (NM_001353949.2, NM_001353950.2, NM_001353951.2 and 2 more transcripts); c.2988A>C, p.Glu996Asp (NM_001353954.2, NM_001353955.2); c.2937A>C, p.Glu979Asp (NM_001353960.2); c.582A>C, p.Glu194Asp (NM_001353961.2); short protein forms E1008D, E194D, E979D, E980D, E996D, E997D.
Identifiers: ClinVar variation 4072461 (VCV004072461.1).

ClinVar aggregate classification (germline): Uncertain significance (1 of 4 stars; one submission).

gnomAD v4.1: 4 of 1,608,720 alleles (0.00025%); highest among the groups gnomAD compares: Non-Finnish European, 0.00034%; no homozygotes.

Submission:

GeneDx
Classification: Uncertain significance. Last evaluated: 2025-01-31. Review status: criteria provided, single submitter. Criteria: GeneDx Variant Classification Process June 2021. Collection method: clinical testing. Allele origin: germline. Affected: yes.
Comment: Not observed at significant frequency in large population cohorts (gnomAD); In silico analysis indicates that this missense variant does not alter protein structure/function; Has not been previously published as pathogenic or benign to our knowledge; This substitution is predicted to be within the cytoplasmic loop between the second and third homologous domains